The following is an entry in ClinVar:

ClinVar aggregate classification (germline): Uncertain significance (1 of 4 stars; one submission).

Conditions:
Familial thoracic aortic aneurysm and aortic dissection (TAAD). Also called: Thoracic aortic aneurysms and dissections. Identifiers: Orphanet 91387, MedGen C4707243, MONDO:0019625.

gnomAD v4.1: 3 of 1,613,546 alleles (0.00019%); highest among the groups gnomAD compares: Admixed American, 0.0033%; no homozygotes.

Submission:

Ambry Genetics
Classification: Uncertain significance for Familial thoracic aortic aneurysm and aortic dissection. Last evaluated: 2026-09-13. Review status: criteria provided, single submitter. Criteria: Ambry Variant Classification Scheme 2023. Collection method: clinical testing. Allele origin: germline.
Comment: The p.S239R variant (also known as c.717C>A), located in coding exon 5 of the PRKG1 gene, results from a C to A substitution at nucleotide position 717. The serine at codon 239 is replaced by arginine, an amino acid with dissimilar properties. This amino acid position is conserved. In addition, this alteration is predicted to be tolerated by in silico analysis. Based on the available evidence, the clinical significance of this variant remains unclear.

NM_006258.4(PRKG1):c.717C>A (p.Ser239Arg)

Gene: PRKG1 (protein kinase cGMP-dependent 1; plus strand). Cytogenetic location: 10q21.1.
Variant type: single nucleotide variant.
Coding change: c.717C>A on transcript NM_006258.4 (MANE Select); coding-DNA position 717, C replaced by A.
Protein change: p.Ser239Arg; replaces serine 239 with arginine.
Molecular consequence: missense variant.
Genome position (GRCh38, 1-based): chr10:51,907,525, C>A. VCF-style: chr10-51907525-C-A. GRCh37 (hg19) VCF-style: chr10-53667285-C-A.
Other names: c.672C>A, p.Ser224Arg (NM_001098512.3); c.717C>A, p.Ser239Arg (NM_001374782.1); short protein forms S224R, S239R.
Identifiers: ClinVar variation 5027365 (VCV005027365.1).